The following is an entry in ClinVar:

ClinVar aggregate classification (germline): Uncertain significance (1 of 4 stars; one submission).

Submission:

Labcorp Genetics (formerly Invitae), Labcorp
Classification: Uncertain significance. Last evaluated: 2024-08-22. Review status: criteria provided, single submitter. Criteria: Invitae Variant Classification Sherloc (09022015). Collection method: clinical testing. Allele origin: germline.
Comment: This sequence change replaces glycine, which is neutral and non-polar, with arginine, which is basic and polar, at codon 1285 of the COL11A1 protein (p.Gly1285Arg). This variant is present in population databases (rs752815752, gnomAD 0.0009%). This variant has not been reported in the literature in individuals affected with COL11A1-related conditions. Invitae Evidence Modeling of protein sequence and biophysical properties (such as structural, functional, and spatial information, amino acid conservation, physicochemical variation, residue mobility, and thermodynamic stability) has been performed for this missense variant. However, the output from this modeling did not meet the statistical confidence thresholds required to predict the impact of this variant on COL11A1 protein function. In summary, the available evidence is currently insufficient to determine the role of this variant in disease. Therefore, it has been classified as a Variant of Uncertain Significance.

NM_001854.4(COL11A1):c.3853G>C (p.Gly1285Arg)

Gene: COL11A1 (collagen type XI alpha 1 chain; minus strand). Cytogenetic location: 1p21.1.
Variant type: single nucleotide variant.
Coding change: c.3853G>C on transcript NM_001854.4 (MANE Select); coding-DNA position 3853, G replaced by C.
Protein change: p.Gly1285Arg; replaces glycine 1285 with arginine.
Molecular consequence: missense variant. On other transcripts: non-coding transcript variant (1).
Genome position (GRCh38, 1-based): chr1:102,914,775, C>G on the plus strand (G>C on the coding strand, the complement: COL11A1 is on the minus strand). VCF-style: chr1-102914775-C-G. GRCh37 (hg19) VCF-style: chr1-103380331-C-G.
Other names: c.3736G>C, p.Gly1246Arg (NM_001190709.2); c.3889G>C, p.Gly1297Arg (NM_080629.3); c.3505G>C, p.Gly1169Arg (NM_080630.4); short protein forms G1169R, G1297R, G1246R, G1285R.
Identifiers: ClinVar variation 3663246 (VCV003663246.2).